The following is an entry in ClinVar:

NM_000051.4(ATM):c.3154-16A>G

Gene: ATM (ATM serine/threonine kinase; plus strand). Cytogenetic location: 11q22.3.
Variant type: single nucleotide variant.
Coding change: c.3154-16A>G on transcript NM_000051.4 (MANE Select); 16 bases into the intron before coding-DNA position 3154, A replaced by G.
Molecular consequence: intron variant.
Genome position (GRCh38, 1-based): chr11:108,272,706, A>G. VCF-style: chr11-108272706-A-G. GRCh37 (hg19) VCF-style: chr11-108143433-A-G.
Other names: c.3154-16A>G (NM_001351834.2).
Identifiers: ClinVar variation 1619442 (VCV001619442.9), dbSNP rs556888479, ClinGen allele CA671408973.

ClinVar aggregate classification (germline): Likely benign. Review status: criteria provided, multiple submitters, no conflicts (2 of 4 stars). 2 submissions from 2 submitters: Likely benign (2). Last evaluated 2025-11-15.

Conditions:
Familial cancer of breast. Also called: BREAST CANCER, FAMILIAL; Hereditary breast cancer; hereditary breast carcinoma. Identifiers: Orphanet 227535, MedGen C0346153, MONDO:0016419, OMIM 114480. Disease mechanism: loss of function.
Ataxia-telangiectasia syndrome (AT). Also called: Cerebello-oculocutaneous telangiectasia; Immunodeficiency with ataxia telangiectasia; Ataxia telangiectasia (A-T); Ataxia-telangiectasia, complementation group E; LOUIS-BAR SYNDROME; Ataxia-telangiectasia. Identifiers: Orphanet 100, MedGen C0004135, MONDO:0008840, OMIM 208900.

Allele frequency attached by ClinVar (database versions not stated): TOPMed below 0.00001; gnomAD 0.00001.
gnomAD v4.1: 3 of 1,613,790 alleles (0.00019%); highest among the groups gnomAD compares: Non-Finnish European, 0.00025%; no homozygotes.

Submissions (2):

Labcorp Genetics (formerly Invitae), Labcorp
Classification: Likely benign for Ataxia-telangiectasia syndrome. Last evaluated: 2025-11-15. Review status: criteria provided, single submitter. Criteria: Invitae Variant Classification Sherloc (09022015). Collection method: clinical testing. Allele origin: germline.

Myriad Genetics, Inc.
Classification: Likely benign for Familial cancer of breast. Last evaluated: 2024-05-13. Review status: criteria provided, single submitter. Criteria: Myriad Autosomal Dominant, Autosomal Recessive and X-Linked Classification Criteria (2023). Collection method: clinical testing. Allele origin: unknown.
Comment: This variant is considered likely benign. This variant is intronic and is not expected to impact mRNA splicing.